The following is an entry in ClinVar:

NC_000011.9:g.(?_117257917)_(117260475_?)del

Gene: CEP164 (centrosomal protein 164; plus strand). Cytogenetic location: 11q23.3.
Variant type: Deletion.
Identifiers: ClinVar variation 3244666 (VCV003244666.1).

ClinVar aggregate classification (germline): Uncertain significance (1 of 4 stars; one submission).

Conditions:
Nephronophthisis 15 (NPHP15). Identifiers: Orphanet 3156, MedGen C3541853, MONDO:0013917, OMIM 614845.

Submission:

Labcorp Genetics (formerly Invitae), Labcorp
Classification: Uncertain significance for Nephronophthisis 15. Last evaluated: 2022-09-01. Review status: criteria provided, single submitter. Criteria: Invitae Variant Classification Sherloc (09022015). Collection method: clinical testing. Allele origin: unknown.
Comment: In summary, the available evidence is currently insufficient to determine the role of this variant in disease. Therefore, it has been classified as a Variant of Uncertain Significance. Experimental studies and prediction algorithms are not available or were not evaluated, and the functional significance of this variant is currently unknown. This variant is also known as c.1726_1935-1015del. This variant has not been reported in the literature in individuals affected with CEP164-related conditions. This variant is a gross deletion of the genomic region encompassing exon(s) 15 of the CEP164 gene. This variant would be expected to be in-frame, preserving the integrity of the reading frame.